The following is an entry in ClinVar:

ClinVar aggregate classification (germline): Uncertain significance (1 of 4 stars; one submission).

Submission:

Labcorp Genetics (formerly Invitae), Labcorp
Classification: Uncertain significance. Last evaluated: 2023-09-14. Review status: criteria provided, single submitter. Criteria: Invitae Variant Classification Sherloc (09022015). Collection method: clinical testing. Allele origin: germline.
Comment: In summary, the available evidence is currently insufficient to determine the role of this variant in disease. Therefore, it has been classified as a Variant of Uncertain Significance. This variant has not been reported in the literature in individuals affected with TNFRSF11A-related conditions. This variant is present in population databases (no rsID available, gnomAD no frequency). This variant, c.1686_1688dup, results in the insertion of 1 amino acid(s) of the TNFRSF11A protein (p.Ala563dup), but otherwise preserves the integrity of the reading frame.

NM_003839.4(TNFRSF11A):c.1686_1688dup (p.Ala563_Glu564insAla)

Gene: TNFRSF11A (TNF receptor superfamily member 11a; plus strand). Cytogenetic location: 18q21.33.
Variant type: Duplication.
Coding change: c.1686_1688dup on transcript NM_003839.4 (MANE Select); coding-DNA positions 1686 to 1688, 3 bases duplicated (TGC; older notation c.1686_1688dupTGC).
Protein change: p.Ala563_Glu564insAla.
Molecular consequence: inframe insertion. On other transcripts: 3 prime UTR variant (1).
Genome position (GRCh38, 1-based): chr18:62,384,869-62,384,871, TGC duplicated; duplicating any 3 consecutive bases within chr18:62,384,867-62,384,871 gives the same sequence; the c. name uses the placement nearest the transcript's 3' end. VCF-style (leftmost placement, unchanged base first): chr18-62384866-G-GGCT. GRCh37 (hg19) VCF-style: chr18-60052099-G-GGCT.
Other names: c.*110_*112dup (NM_001270949.2); c.849_851dup, p.Ala284_Glu285insAla (NM_001270950.2); c.735_737dup, p.Ala246_Glu247insAla (NM_001270951.2); c.1644_1646dup, p.Ala549_Glu550insAla (NM_001278268.2).
Identifiers: ClinVar variation 2781165 (VCV002781165.3), dbSNP rs985135288, ClinGen allele CA301714704.